The following is an entry in ClinVar:

NM_006005.3(WFS1):c.1793C>T (p.Ala598Val)

Gene: WFS1 (wolframin ER transmembrane glycoprotein; plus strand). Cytogenetic location: 4p16.1.
Variant type: single nucleotide variant.
Coding change: c.1793C>T on transcript NM_006005.3 (MANE Select); coding-DNA position 1793, C replaced by T.
Protein change: p.Ala598Val; replaces alanine 598 with valine.
Molecular consequence: missense variant.
Genome position (GRCh38, 1-based): chr4:6,301,588, C>T. VCF-style: chr4-6301588-C-T. GRCh37 (hg19) VCF-style: chr4-6303315-C-T.
Other names: c.1793C>T, p.Ala598Val (NM_001145853.1); short protein forms A598V.
Identifiers: ClinVar variation 3190520 (VCV003190520.3), dbSNP rs780422068, ClinGen allele CA2839495.

ClinVar aggregate classification (germline): Uncertain significance. Review status: criteria provided, multiple submitters, no conflicts (2 of 4 stars). 2 submissions from 2 submitters: Uncertain significance (2). Last evaluated 2024-05-23.

Conditions:
Inborn genetic diseases. Identifiers: MedGen C0950123, MeSH D030342.

Allele frequency attached by ClinVar (database versions not stated): gnomAD exomes 0.00003.
gnomAD v4.1: 36 of 1,614,180 alleles (0.0022%); highest among the groups gnomAD compares: Non-Finnish European, 0.0031%; no homozygotes.

Submissions (2):

Labcorp Genetics (formerly Invitae), Labcorp
Classification: Uncertain significance. Last evaluated: 2024-05-23. Review status: criteria provided, single submitter. Criteria: Invitae Variant Classification Sherloc (09022015). Collection method: clinical testing. Allele origin: germline.
Comment: This sequence change replaces alanine, which is neutral and non-polar, with valine, which is neutral and non-polar, at codon 598 of the WFS1 protein (p.Ala598Val). This variant is present in population databases (rs780422068, gnomAD 0.002%). This variant has not been reported in the literature in individuals affected with WFS1-related conditions. Advanced modeling of protein sequence and biophysical properties (such as structural, functional, and spatial information, amino acid conservation, physicochemical variation, residue mobility, and thermodynamic stability) performed at Invitae indicates that this missense variant is not expected to disrupt WFS1 protein function with a negative predictive value of 95%. In summary, the available evidence is currently insufficient to determine the role of this variant in disease. Therefore, it has been classified as a Variant of Uncertain Significance.

Ambry Genetics
Classification: Uncertain significance for Inborn genetic diseases. Last evaluated: 2023-12-20. Review status: criteria provided, single submitter. Criteria: Ambry Variant Classification Scheme 2023. Collection method: clinical testing. Allele origin: germline.